The following is an entry in ClinVar:

NM_000037.4(ANK1):c.1381_1382del (p.Ala461fs)

Gene: ANK1 (ankyrin 1; minus strand). Cytogenetic location: 8p11.21.
Variant type: Deletion.
Coding change: c.1381_1382del on transcript NM_000037.4 (MANE Select); coding-DNA positions 1381 to 1382, 2 bases deleted (GC; older notation c.1381_1382delGC).
Protein change: p.Ala461fs; shifts the reading frame from alanine 461.
Molecular consequence: frameshift variant.
Genome position (GRCh38, 1-based): chr8:41,716,975-41,716,976, GC deleted on the plus strand (GC on the coding strand, the reverse complement: ANK1 is on the minus strand). VCF-style (leftmost placement, unchanged base first): chr8-41716974-GGC-G. GRCh37 (hg19) VCF-style: chr8-41574492-GGC-G.
Other names: c.1480_1481del, p.Ala494fs (NM_001142446.2); c.1381_1382del, p.Ala461fs (NM_020475.3, NM_020476.3, NM_020477.3); short protein forms A461fs, A494fs.
Identifiers: ClinVar variation 2433460 (VCV002433460.4), dbSNP rs2486923005, ClinGen allele CA2580078352.

ClinVar aggregate classification (germline): Likely pathogenic. Review status: criteria provided, multiple submitters, no conflicts (2 of 4 stars). 2 submissions from 2 submitters: Likely pathogenic (2). Last evaluated 2025-05-07.

Conditions:
Hereditary spherocytosis type 1. Also called: Spherocytosis type 1; ANK1-Related Spherocytosis. Identifiers: Orphanet 822, MedGen C2674218, MONDO:0008447, OMIM 182900.

Submissions (2):

ARUP Laboratories, Molecular Genetics and Genomics, ARUP Laboratories
Classification: Likely pathogenic for Hereditary spherocytosis type 1. Last evaluated: 2025-05-07. Review status: criteria provided, single submitter. Criteria: ARUP Molecular Germline Variant Investigation Process 2024. Collection method: clinical testing. Allele origin: germline.
Comment: The ANK1 c.1381_1382del; p.Ala461GlnfsTer9 variant, to our knowledge, is not reported in the medical literature but is reported in ClinVar (Variation ID: 2433460). This variant is also absent from the Genome Aggregation Database (v2.1.1), indicating it is not a common polymorphism. This variant causes a frameshift by deleting 2 nucleotides, so it is predicted to result in a truncated protein or mRNA subject to nonsense-mediated decay. Based on available information, this variant is considered to be likely pathogenic.

Revvity Omics, Revvity
Classification: Likely pathogenic for Hereditary spherocytosis type 1. Last evaluated: 2022-03-28. Review status: criteria provided, single submitter. Criteria: ACMG Guidelines, 2015. Collection method: clinical testing. Allele origin: germline.